The following is an entry in ClinVar:

ClinVar aggregate classification (germline): Likely benign. Review status: criteria provided, multiple submitters, no conflicts (2 of 4 stars). 2 submissions from 2 submitters: Likely benign (2). Last evaluated 2026-01-04.

Conditions:
Tuberous sclerosis 1 (TSC1). Identifiers: Orphanet 805, MedGen C1854465, MONDO:0008612, OMIM 191100.

Allele frequency attached by ClinVar (database versions not stated): gnomAD exomes below 0.00001 and 0.00001; ExAC 0.00001; gnomAD 0.00004 and 0.00005; TOPMed 0.00005.
gnomAD v4.1: 10 of 1,613,466 alleles (0.00062%); highest among the groups gnomAD compares: African/African-American, 0.011%; no homozygotes.

Submissions (2):

Labcorp Genetics (formerly Invitae), Labcorp
Classification: Likely benign for Tuberous sclerosis 1. Last evaluated: 2026-01-04. Review status: criteria provided, single submitter. Criteria: Invitae Variant Classification Sherloc (09022015). Collection method: clinical testing. Allele origin: germline.

GeneDx
Classification: Likely benign. Last evaluated: 2017-11-02. Review status: criteria provided, single submitter. Criteria: GeneDx Variant Classification (06012015). Collection method: clinical testing. Allele origin: germline. Affected: yes.
Comment: This variant is considered likely benign or benign based on one or more of the following criteria: it is a conservative change, it occurs at a poorly conserved position in the protein, it is predicted to be benign by multiple in silico algorithms, and/or has population frequency not consistent with disease.

NM_000368.5(TSC1):c.2391+14C>T

Gene: TSC1 (TSC complex subunit 1; minus strand). Cytogenetic location: 9q34.13.
Variant type: single nucleotide variant.
Coding change: c.2391+14C>T on transcript NM_000368.5 (MANE Select); 14 bases into the intron after coding-DNA position 2391, C replaced by T.
Molecular consequence: intron variant.
Genome position (GRCh38, 1-based): chr9:132,902,591, G>A on the plus strand (C>T on the coding strand, the complement: TSC1 is on the minus strand). VCF-style: chr9-132902591-G-A. GRCh37 (hg19) VCF-style: chr9-135777978-G-A.
Other names: c.2028+14C>T (NM_001362177.2); c.2238+14C>T (NM_001162427.2); c.2388+14C>T (NM_001162426.2).
Identifiers: ClinVar variation 512976 (VCV000512976.8), dbSNP rs757480492, ClinGen allele CA032247.
Genomic context (GRCh38, chr9:132,902,591, plus strand): 5'-GAAACTGACTGCCTCCCTCCCCACTGCTCTCCGGCATTCTCGCAGTTGGCTTTGCCTGGT[G>A]CTGCAGTTTATACCTGTAATTCCTGGCTCTGGTTGTAGAATTCCTCTCGGTCATGCTGCA-3'